The following is an entry in ClinVar:

NM_001042492.3(NF1):c.5129del (p.Asp1710fs)

Gene: NF1 (neurofibromin 1; plus strand). Cytogenetic location: 17q11.2.
Variant type: Deletion.
Coding change: c.5129del on transcript NM_001042492.3 (MANE Select); coding-DNA position 5129, one base deleted (A; older notation c.5129delA).
Protein change: p.Asp1710fs; shifts the reading frame from aspartic acid 1710.
Molecular consequence: frameshift variant.
Genome position (GRCh38, 1-based): chr17:31,326,113, A deleted. VCF-style (leftmost placement, unchanged base first): chr17-31326112-GA-G. GRCh37 (hg19) VCF-style: chr17-29653130-GA-G.
Other names: c.5066delA, p.Asp1689Alafs (NM_000267.4); short protein forms D1689fs, D1710fs.
Identifiers: ClinVar variation 928593 (VCV000928593.1), dbSNP rs2069334590, ClinGen allele CA1139665385.
Genomic context (GRCh38, chr17:31,326,112, plus strand): 5'-ACCAAGTATCATGAGCGGCTGCTGACTGGCCTCAAAGGTAGCAAAAGGCTTGTTTTCATA[GA>G]CTGTCCTGGGAAACTGGCTGAGCACATAGAGCATGAACAACAGAAACTACCTGCTGCCAC-3'

ClinVar aggregate classification (germline): Likely pathogenic (1 of 4 stars; one submission).

Conditions:
Neurofibromatosis, type 1 (NF1). Also called: VON RECKLINGHAUSEN DISEASE; Peripheral type neurofibromatosis; Neurofibromatosis, type I; NEUROFIBROMATOSIS, TYPE I, SOMATIC. Identifiers: Orphanet 636, MedGen C0027831, MONDO:0018975, OMIM 162200. Disease mechanism: loss of function.

Submission:

Women's Health and Genetics/Laboratory Corporation of America, LabCorp
Classification: Likely pathogenic for Neurofibromatosis, type 1. Last evaluated: 2019-11-11. Review status: criteria provided, single submitter. Criteria: LabCorp Variant Classification Summary - May 2015. Collection method: clinical testing. Allele origin: germline.
Comment: Variant summary: NF1 c.5066delA (p.Asp1689AlafsX10) results in a premature termination codon, predicted to cause a truncation of the encoded protein or absence of the protein due to nonsense mediated decay, which are commonly known mechanisms for disease. Truncations downstream of this position have been classified as pathogenic by our laboratory. The variant was absent in 251020 control chromosomes. c.5066delA has been reported in the literature as p.D1710fs (c.5129delA in transcript NM_001042492.2) in at-least one individual affected with Neurofibromatosis Type 1 with congenital pseudarthrosis of the tibia (CPT, Zhu_2019). To our knowledge, no experimental evidence demonstrating an impact on protein function has been reported. No clinical diagnostic laboratories have submitted clinical-significance assessments for this variant to ClinVar after 2014. Based on the evidence outlined above, the variant was classified as likely pathogenic.

Literature cited by the submitters: PubMed 31533797.